The following is an entry in ClinVar:

ClinVar aggregate classification (germline): Uncertain significance (1 of 4 stars; one submission).

gnomAD v4.1: 1 of 1,586,350 alleles (0.000063%); highest among the groups gnomAD compares: South Asian, 0.0011%; no homozygotes.

Submission:

GeneDx
Classification: Uncertain significance. Last evaluated: 2024-02-22. Review status: criteria provided, single submitter. Criteria: GeneDx Variant Classification Process June 2021. Collection method: clinical testing. Allele origin: germline. Affected: yes.
Comment: Not observed at significant frequency in large population cohorts (gnomAD); In silico analysis supports that this missense variant has a deleterious effect on protein structure/function; Has not been previously published as pathogenic or benign to our knowledge

NM_001348323.3(TRIP12):c.1948G>T (p.Asp650Tyr)

Gene: TRIP12 (thyroid hormone receptor interactor 12; minus strand). Cytogenetic location: 2q36.3.
Variant type: single nucleotide variant.
Coding change: c.1948G>T on transcript NM_001348323.3 (MANE Select); coding-DNA position 1948, G replaced by T.
Protein change: p.Asp650Tyr; replaces aspartic acid 650 with tyrosine.
Molecular consequence: missense variant.
Genome position (GRCh38, 1-based): chr2:229,813,908, C>A on the plus strand (G>T on the coding strand, the complement: TRIP12 is on the minus strand). VCF-style: chr2-229813908-C-A. GRCh37 (hg19) VCF-style: chr2-230678624-C-A.
Other names: c.1948G>T, p.Asp650Tyr (NM_001284214.2, NM_001348315.2, NM_001348319.1 and 11 more transcripts); c.1822G>T, p.Asp608Tyr (NM_001284215.2, NM_001348316.2, NM_001348317.1 and 2 more transcripts); c.913G>T, p.Asp305Tyr (NM_001284216.2); c.1861G>T, p.Asp621Tyr (NM_001348332.1); c.1804G>T, p.Asp602Tyr (NM_004238.3); short protein forms D305Y, D602Y, D608Y, D621Y, D650Y.
Identifiers: ClinVar variation 3369640 (VCV003369640.1).